The following is an entry in ClinVar:

ClinVar aggregate classification (germline): Uncertain significance. Review status: criteria provided, multiple submitters, no conflicts (2 of 4 stars). 2 submissions from 2 submitters: Uncertain significance (2). Last evaluated 2026-03-31.

Conditions:
3-methylglutaconic aciduria type 5. Also called: CARDIOMYOPATHY, DILATED, WITH ATAXIA; MGA, TYPE V; 3 alpha methylglutaconic aciduria type V; MGA 5. Identifiers: Orphanet 66634, MedGen C1857776, MONDO:0012435, OMIM 610198.

Allele frequency attached by ClinVar (database versions not stated): ExAC 0.00001; gnomAD exomes 0.00001.

Submissions (2):

GeneDx
Classification: Uncertain significance. Last evaluated: 2026-03-31. Review status: criteria provided, single submitter. Criteria: GeneDx Variant Classification Process June 2021. Collection method: clinical testing. Allele origin: germline.
Comment: Not observed at significant frequency in large population cohorts (gnomAD); In silico analysis supports that this missense variant has a deleterious effect on protein structure/function; Has not been previously published as pathogenic or benign to our knowledge

Labcorp Genetics (formerly Invitae), Labcorp
Classification: Uncertain significance for 3-methylglutaconic aciduria type 5. Last evaluated: 2022-07-17. Review status: criteria provided, single submitter. Criteria: Invitae Variant Classification Sherloc (09022015). Collection method: clinical testing. Allele origin: germline.
Comment: This sequence change replaces leucine, which is neutral and non-polar, with serine, which is neutral and polar, at codon 109 of the DNAJC19 protein (p.Leu109Ser). This variant is present in population databases (rs200732155, gnomAD 0.003%). This variant has not been reported in the literature in individuals affected with DNAJC19-related conditions. ClinVar contains an entry for this variant (Variation ID: 1502917). Algorithms developed to predict the effect of missense changes on protein structure and function (SIFT, PolyPhen-2, Align-GVGD) all suggest that this variant is likely to be disruptive. In summary, the available evidence is currently insufficient to determine the role of this variant in disease. Therefore, it has been classified as a Variant of Uncertain Significance.

NM_145261.4(DNAJC19):c.326T>C (p.Leu109Ser)

Gene: DNAJC19 (DnaJ heat shock protein family (Hsp40) member C19; minus strand). Cytogenetic location: 3q26.33.
Variant type: single nucleotide variant.
Coding change: c.326T>C on transcript NM_145261.4 (MANE Select); coding-DNA position 326, T replaced by C.
Protein change: p.Leu109Ser; replaces leucine 109 with serine.
Molecular consequence: missense variant. On other transcripts: non-coding transcript variant (4).
Genome position (GRCh38, 1-based): chr3:180,984,665, A>G on the plus strand (T>C on the coding strand, the complement: DNAJC19 is on the minus strand). VCF-style: chr3-180984665-A-G. GRCh37 (hg19) VCF-style: chr3-180702453-A-G.
Other names: c.251T>C, p.Leu84Ser (NM_001190233.2); c.326T>C (NM_145261.3); short protein forms L84S, L109S.
Identifiers: ClinVar variation 1502917 (VCV001502917.6), dbSNP rs200732155, ClinGen allele CA2717045.